The following is an entry in ClinVar:

NM_006346.4(PIBF1):c.723A>G (p.Gln241=)

Gene: PIBF1 (progesterone immunomodulatory binding factor 1; plus strand). Cytogenetic location: 13q22.1.
Variant type: single nucleotide variant.
Coding change: c.723A>G on transcript NM_006346.4 (MANE Select); coding-DNA position 723, A replaced by G.
Protein change: p.Gln241=; no amino-acid change (glutamine 241 retained).
Molecular consequence: synonymous variant. On other transcripts: non-coding transcript variant (2).
Genome position (GRCh38, 1-based): chr13:72,821,899, A>G. VCF-style: chr13-72821899-A-G. GRCh37 (hg19) VCF-style: chr13-73396037-A-G.
Other names: c.723A>G, p.Gln241= (NM_001349655.2).
Identifiers: ClinVar variation 787678 (VCV000787678.9), dbSNP rs144568401, ClinGen allele CA7002032.

ClinVar aggregate classification (germline): Likely benign. Review status: criteria provided, multiple submitters, no conflicts (2 of 4 stars). 2 submissions from 2 submitters: Likely benign (2). Last evaluated 2026-04-01.

Allele frequency attached by ClinVar (database versions not stated): gnomAD 0.00073 and 0.00068; ESP Exome Variant Server 0.00100; 1000 Genomes Project 30x 0.00016; 1000 Genomes Project 0.00020; ExAC 0.00051; gnomAD exomes 0.00057; TOPMed 0.00070.
gnomAD v4.1: 1,353 of 1,612,866 alleles (0.084%); highest among the groups gnomAD compares: Admixed American, 0.13%; no homozygotes.

Submissions (2):

CeGaT Center for Human Genetics Tuebingen
Classification: Likely benign. Last evaluated: 2026-04-01. Review status: criteria provided, single submitter. Criteria: CeGaT Center For Human Genetics Tuebingen Variant Classification Criteria Version 2. Collection method: clinical testing. Allele origin: germline. Affected: yes. Observed: 1 variant allele.
Comment: PIBF1: BP4, BP7

Labcorp Genetics (formerly Invitae), Labcorp
Classification: Likely benign. Last evaluated: 2025-12-26. Review status: criteria provided, single submitter. Criteria: Invitae Variant Classification Sherloc (09022015). Collection method: clinical testing. Allele origin: germline.